The following is an entry in ClinVar:

ClinVar aggregate classification (germline): Uncertain significance (1 of 4 stars; one submission).

Conditions:
Emery-Dreifuss muscular dystrophy 5, autosomal dominant (EDMD5). Also called: EMERY-DREIFUSS MUSCULAR DYSTROPHY 5. Identifiers: Orphanet 261, MedGen C2751805, MONDO:0013072, OMIM 612999.

Submission:

Labcorp Genetics (formerly Invitae), Labcorp
Classification: Uncertain significance for Emery-Dreifuss muscular dystrophy 5, autosomal dominant. Last evaluated: 2024-06-26. Review status: criteria provided, single submitter. Criteria: Invitae Variant Classification Sherloc (09022015). Collection method: clinical testing. Allele origin: germline.
Comment: This sequence change replaces arginine, which is basic and polar, with methionine, which is neutral and non-polar, at codon 4698 of the SYNE2 protein (p.Arg4698Met). This variant is not present in population databases (gnomAD no frequency). This variant has not been reported in the literature in individuals affected with SYNE2-related conditions. An algorithm developed to predict the effect of missense changes on protein structure and function (PolyPhen-2) suggests that this variant is likely to be disruptive. In summary, the available evidence is currently insufficient to determine the role of this variant in disease. Therefore, it has been classified as a Variant of Uncertain Significance.

NM_182914.3(SYNE2):c.14093G>T (p.Arg4698Met)

Gene: SYNE2 (spectrin repeat containing nuclear envelope protein 2; plus strand). Cytogenetic location: 14q23.2.
Variant type: single nucleotide variant.
Coding change: c.14093G>T on transcript NM_182914.3 (MANE Select); coding-DNA position 14093, G replaced by T.
Protein change: p.Arg4698Met; replaces arginine 4698 with methionine.
Molecular consequence: missense variant.
Genome position (GRCh38, 1-based): chr14:64,129,855, G>T. VCF-style: chr14-64129855-G-T. GRCh37 (hg19) VCF-style: chr14-64596573-G-T.
Other names: c.14093G>T, p.Arg4698Met (NM_015180.6); short protein forms R4698M.
Identifiers: ClinVar variation 3657128 (VCV003657128.2).